The following is an entry in ClinVar:

ClinVar aggregate classification (germline): Pathogenic/Likely pathogenic. Review status: criteria provided, multiple submitters, no conflicts (2 of 4 stars). 3 submissions from 3 submitters: Pathogenic (1); Likely pathogenic (2). Last evaluated 2024-12-22.

Conditions:
Cardiovascular phenotype. Identifiers: MedGen CN230736.
Long QT syndrome (LQTS). Identifiers: MedGen C0023976, MeSH D008133, MONDO:0002442. Disease mechanism: loss of function. Inheritance: Various modes of inheritance.

Submissions (3):

Labcorp Genetics (formerly Invitae), Labcorp
Classification: Likely pathogenic for Long QT syndrome. Last evaluated: 2024-12-22. Review status: criteria provided, single submitter. Criteria: Invitae Variant Classification Sherloc (09022015). Collection method: clinical testing. Allele origin: germline.
Comment: This sequence change affects a donor splice site in intron 8 of the KCNH2 gene. It is expected to disrupt RNA splicing. Variants that disrupt the donor or acceptor splice site typically lead to a loss of protein function (PMID: 16199547), and loss-of-function variants in KCNH2 are known to be pathogenic (PMID: 10973849, 19862833). This variant is not present in population databases (gnomAD no frequency). Disruption of this splice site has been observed in individual(s) with long QT syndrome (PMID: 32383558, 36861347). ClinVar contains an entry for this variant (Variation ID: 265192). Algorithms developed to predict the effect of sequence changes on RNA splicing suggest that this variant may disrupt the consensus splice site. In summary, the currently available evidence indicates that the variant is pathogenic, but additional data are needed to prove that conclusively. Therefore, this variant has been classified as Likely Pathogenic.

GeneDx
Classification: Pathogenic. Last evaluated: 2021-05-14. Review status: criteria provided, single submitter. Criteria: GeneDx Variant Classification Process June 2021. Collection method: clinical testing. Allele origin: germline. Affected: yes.
Comment: Identified in association with LQTS in the published literature and in individuals referred for genetic testing at GeneDx (Marshall et al., 2019; Westphal et al., 2020); Canonical splice site variant predicted to result in a null allele in a gene for which loss-of-function is a known mechanism of disease; Not observed in large population cohorts (Lek et al., 2016); Reported in ClinVar (ClinVar Variant ID# 265192; Landrum et al., 2016); This variant is associated with the following publications: (PMID: 32383558, 31737537)

Ambry Genetics
Classification: Likely pathogenic for Cardiovascular phenotype. Last evaluated: 2015-09-03. Review status: criteria provided, single submitter. Criteria: Ambry Variant Classification Scheme 2023. Collection method: clinical testing. Allele origin: germline.
Comment: The c.2145+1G>A intronic variant results from a G to A substitution one nucleotide after coding exon 8 of the KCNH2 gene. This variant was not reported in population based cohorts in the following databases: Database of Single Nucleotide Polymorphisms (dbSNP), NHLBI Exome Sequencing Project (ESP), and 1000 Genomes Project. In the ESP, this variant was not observed in 6503 samples (13006 alleles) with coverage at this position. This nucleotide position is highly conserved in available vertebrate species. Using the BDGP and ESEfinder splice site prediction tools, this alteration is predicted to abolish the native splice donor site; however, direct evidence is unavailable. Alterations that disrupt the canonical splice donor site are typically deleterious in nature (ACMG Recommendations for Standards for Interpretation and Reporting of Sequence Variations. Revision 2007. Genet Med. 2008;10:294). As such, the c.2145+1G>A variant is classified as likely pathogenic.

Literature cited by the submitters: PubMed 16199547 (cited by Labcorp Genetics (formerly Invitae), Labcorp); PubMed 10973849 (cited by Labcorp Genetics (formerly Invitae), Labcorp); PubMed 19862833 (cited by Labcorp Genetics (formerly Invitae), Labcorp); PubMed 32383558 (cited by Labcorp Genetics (formerly Invitae), Labcorp); PubMed 36861347 (cited by Labcorp Genetics (formerly Invitae), Labcorp).

NM_000238.4(KCNH2):c.2145+1G>A

Gene: KCNH2 (potassium voltage-gated channel subfamily H member 2; minus strand). Cytogenetic location: 7q36.1.
Variant type: single nucleotide variant.
Coding change: c.2145+1G>A on transcript NM_000238.4 (MANE Select); the canonical splice donor site of the intron after coding-DNA position 2145, G replaced by A.
Molecular consequence: splice donor variant.
Genome position (GRCh38, 1-based): chr7:150,950,920, C>T on the plus strand (G>A on the coding strand, the complement: KCNH2 is on the minus strand). VCF-style: chr7-150950920-C-T. GRCh37 (hg19) VCF-style: chr7-150648008-C-T.
Other names: c.1857+1G>A (NM_001406753.1, NM_001406756.1); c.1125+1G>A (NM_172057.3, NM_001204798.2); c.2145+1G>A (NM_172056.3); c.1968+1G>A (NM_001406755.1); c.1845+1G>A (NM_001406757.1).
Identifiers: ClinVar variation 265192 (VCV000265192.14), dbSNP rs886039385, ClinGen allele CA10588421.
Genomic context (GRCh38, chr7:150,950,920, plus strand): 5'-CCCCTCTGCCACCCCACTCTTCCCAGCCTGCCACCCACTGGCCACGCTCTGGTGGCCTCA[C>T]CGCGTTCATGTCGATGCCGTTGGTGTAGGACCAGGCGTGCTGGAAGTACTCCTCGAGGCG-3'